The following is an entry in ClinVar:

NM_133259.4(LRPPRC):c.3570-188A>T

Gene: LRPPRC (leucine rich pentatricopeptide repeat containing; minus strand). Cytogenetic location: 2p21.
Variant type: single nucleotide variant.
Coding change: c.3570-188A>T on transcript NM_133259.4 (MANE Select); 188 bases into the intron before coding-DNA position 3570, A replaced by T.
Molecular consequence: intron variant.
Genome position (GRCh38, 1-based): chr2:43,899,793, T>A on the plus strand (A>T on the coding strand, the complement: LRPPRC is on the minus strand). VCF-style: chr2-43899793-T-A. GRCh37 (hg19) VCF-style: chr2-44126932-T-A.
Identifiers: ClinVar variation 672555 (VCV000672555.1), dbSNP rs114392725, ClinGen allele CA46507008.
Genomic context (GRCh38, chr2:43,899,793, plus strand): 5'-ACTTAACCAAATAAACACTAGGCAACTGAAACCCTGAATCACATTTAAGTAGCAAAAACA[T>A]TCACTAGCTGGTTCGTGCTGCAGTGGTTGTTTATTTTGCTTCACAGCAGTTCAAATAGTT-3'

ClinVar aggregate classification (germline): Likely benign (1 of 4 stars; one submission).

Allele frequency attached by ClinVar (database versions not stated): 1000 Genomes Project 0.01338; TOPMed 0.01096; 1000 Genomes Project 30x 0.01327.
gnomAD v4.1: 1,919 of 594,120 alleles (0.32%); highest among the groups gnomAD compares: African/African-American, 3.1%; 27 homozygotes.

Submission:

GeneDx
Classification: Likely benign. Last evaluated: 2018-06-14. Review status: criteria provided, single submitter. Criteria: GeneDx Variant Classification (06012015). Collection method: clinical testing. Allele origin: germline. Affected: yes.
Comment: This variant is considered likely benign or benign based on one or more of the following criteria: it is a conservative change, it occurs at a poorly conserved position in the protein, it is predicted to be benign by multiple in silico algorithms, and/or has population frequency not consistent with disease.